The following is an entry in ClinVar:

NM_005612.5(REST):c.2200T>A (p.Ser734Thr)

Gene: REST (RE1 silencing transcription factor; plus strand). Cytogenetic location: 4q12.
Variant type: single nucleotide variant.
Coding change: c.2200T>A on transcript NM_005612.5 (MANE Select); coding-DNA position 2200, T replaced by A.
Protein change: p.Ser734Thr; replaces serine 734 with threonine.
Molecular consequence: missense variant.
Genome position (GRCh38, 1-based): chr4:56,931,058, T>A. VCF-style: chr4-56931058-T-A. GRCh37 (hg19) VCF-style: chr4-57797224-T-A.
Other names: c.2200T>A, p.Ser734Thr (NM_001193508.2, NM_001363453.3); short protein forms S734T.
Identifiers: ClinVar variation 2895653 (VCV002895653.3), dbSNP rs754117527, ClinGen allele CA2932429.

ClinVar aggregate classification (germline): Uncertain significance (1 of 4 stars; one submission).

Allele frequency attached by ClinVar (database versions not stated): gnomAD exomes below 0.00001; ExAC 0.00001.
gnomAD v4.1: 4 of 1,384,860 alleles (0.00029%); highest among the groups gnomAD compares: Non-Finnish European, 0.0003%; no homozygotes.

Submission:

Labcorp Genetics (formerly Invitae), Labcorp
Classification: Uncertain significance. Last evaluated: 2023-04-08. Review status: criteria provided, single submitter. Criteria: Invitae Variant Classification Sherloc (09022015). Collection method: clinical testing. Allele origin: germline.
Comment: In summary, the available evidence is currently insufficient to determine the role of this variant in disease. Therefore, it has been classified as a Variant of Uncertain Significance. An algorithm developed to predict the effect of missense changes on protein structure and function (PolyPhen-2) suggests that this variant is likely to be tolerated. This variant has not been reported in the literature in individuals affected with REST-related conditions. This variant is present in population databases (rs754117527, gnomAD 0.0009%). This sequence change replaces serine, which is neutral and polar, with threonine, which is neutral and polar, at codon 734 of the REST protein (p.Ser734Thr).